The following is an entry in ClinVar:

NM_000551.4(VHL):c.27C>T (p.Asp9=)

Gene: VHL (von Hippel-Lindau tumor suppressor; plus strand). Cytogenetic location: 3p25.3.
Variant type: single nucleotide variant.
Coding change: c.27C>T on transcript NM_000551.4 (MANE Select); coding-DNA position 27, C replaced by T.
Protein change: p.Asp9=; no amino-acid change (aspartic acid 9 retained).
Molecular consequence: synonymous variant.
Genome position (GRCh38, 1-based): chr3:10,141,874, C>T. VCF-style: chr3-10141874-C-T. GRCh37 (hg19) VCF-style: chr3-10183558-C-T.
Other names: c.27C>T, p.Asp9= (NM_001354723.2, NM_198156.3).
Identifiers: ClinVar variation 416992 (VCV000416992.38), dbSNP rs1017141110, ClinGen allele CA16611251.
Genomic context (GRCh38, chr3:10,141,874, plus strand): 5'-GCGTCCGGCCCGGGTGGTCTGGATCGCGGAGGGAATGCCCCGGAGGGCGGAGAACTGGGA[C>T]GAGGCCGAGGTAGGCGCGGAGGAGGCAGGCGTCGAAGAGTACGGCCCTGAAGAAGACGGC-3'
Protein context (NP_000542.1, residues 1-19): MPRRAENW[Asp9=]EAEVGAEEAG

ClinVar aggregate classification (germline): Benign/Likely benign. Review status: criteria provided, multiple submitters, no conflicts (2 of 4 stars). 6 submissions from 6 submitters: Benign (2); Likely benign (4). Last evaluated 2025-12-15.

Conditions:
Von Hippel-Lindau syndrome (VHLS). Also called: von Hippel–Lindau syndrome; VHL syndrome; Von Hippel-Lindau. Identifiers: Orphanet 892, MedGen C0019562, MONDO:0008667, OMIM 193300. Disease mechanism: loss of function.
Chuvash polycythemia. Also called: POLYCYTHEMIA, VHL-DEPENDENT. Identifiers: Orphanet 238557, MedGen C1837915, MONDO:0009892, OMIM 263400.
Hereditary cancer-predisposing syndrome. Also called: Tumor predisposition; Hereditary neoplastic syndrome; Hereditary Cancer Syndrome; Neoplastic Syndromes, Hereditary. Identifiers: Orphanet 140162, MedGen C0027672, MeSH D009386, MONDO:0015356.

gnomAD v4.1: 7 of 1,534,086 alleles (0.00046%); highest among the groups gnomAD compares: South Asian, 0.0049%; no homozygotes.

Submissions (6):

Labcorp Genetics (formerly Invitae), Labcorp
Classification: Likely benign for Von Hippel-Lindau syndrome; Chuvash polycythemia. Last evaluated: 2025-12-15. Review status: criteria provided, single submitter. Criteria: Invitae Variant Classification Sherloc (09022015). Collection method: clinical testing. Allele origin: germline.

Myriad Genetics, Inc.
Classification: Benign for Von Hippel-Lindau syndrome. Last evaluated: 2025-06-10. Review status: criteria provided, single submitter. Criteria: Myriad Autosomal Dominant, Autosomal Recessive and X-Linked Classification Criteria (2023). Collection method: clinical testing. Allele origin: unknown.
Comment: This variant is considered benign. This variant is a silent/synonymous amino acid change and it is not expected to impact splicing.

KCCC/NGS Laboratory, Kuwait Cancer Control Center
Classification: Benign for Von Hippel-Lindau syndrome. Last evaluated: 2025-02-01. Review status: criteria provided, single submitter. Criteria: ACMG Guidelines, 2015. Collection method: clinical testing. Allele origin: germline. Affected: no.

CeGaT Center for Human Genetics Tuebingen
Classification: Likely benign. Last evaluated: 2024-06-01. Review status: criteria provided, single submitter. Criteria: CeGaT Center For Human Genetics Tuebingen Variant Classification Criteria Version 2. Collection method: clinical testing. Allele origin: germline. Affected: yes. Observed: 1 variant allele.
Comment: VHL: BP4, BP7

All of Us Research Program, National Institutes of Health
Classification: Likely benign for Von Hippel-Lindau syndrome. Last evaluated: 2023-10-23. Review status: criteria provided, single submitter. Criteria: ACMG Guidelines, 2015. Collection method: clinical testing. Allele origin: germline. Inheritance: Autosomal dominant inheritance. Observed: 1 variant allele, 1 heterozygote.
Comment: This study involves interpretation of variants in research participants for the purpose of population health screening. Participant phenotype was not available at the time of variant classification. Additional details can be found in publication PMID: 35346344, PMCID: PMC8962531

Ambry Genetics
Classification: Likely benign for Hereditary cancer-predisposing syndrome. Last evaluated: 2021-04-14. Review status: criteria provided, single submitter. Criteria: Ambry Variant Classification Scheme 2023. Collection method: clinical testing. Allele origin: germline.